The following is an entry in ClinVar:

NM_182943.3(PLOD2):c.1855C>G (p.Arg619Gly)

Gene: PLOD2 (procollagen-lysine,2-oxoglutarate 5-dioxygenase 2; minus strand). Cytogenetic location: 3q24.
Variant type: single nucleotide variant.
Coding change: c.1855C>G on transcript NM_182943.3 (MANE Select); coding-DNA position 1855, C replaced by G.
Protein change: p.Arg619Gly; replaces arginine 619 with glycine.
Molecular consequence: missense variant.
Genome position (GRCh38, 1-based): chr3:146,071,417, G>C on the plus strand (C>G on the coding strand, the complement: PLOD2 is on the minus strand). VCF-style: chr3-146071417-G-C. GRCh37 (hg19) VCF-style: chr3-145789204-G-C.
Other names: c.1792C>G, p.Arg598Gly (NM_000935.3); short protein forms R598G, R619G.
Identifiers: ClinVar variation 1710617 (VCV001710617.2), dbSNP rs759871520, ClinGen allele CA354883639.

ClinVar aggregate classification (germline): Uncertain significance (1 of 4 stars; one submission).

Submission:

GeneDx
Classification: Uncertain significance. Last evaluated: 2022-04-13. Review status: criteria provided, single submitter. Criteria: GeneDx Variant Classification Process June 2021. Collection method: clinical testing. Allele origin: germline. Affected: yes.
Comment: Not observed at significant frequency in large population cohorts (gnomAD); In silico analysis supports that this missense variant has a deleterious effect on protein structure/function; Has not been previously published as pathogenic or benign to our knowledge